The following is an entry in ClinVar:

ClinVar aggregate classification (germline): Uncertain significance. Review status: criteria provided, multiple submitters, no conflicts (2 of 4 stars). 2 submissions from 2 submitters: Uncertain significance (2). Last evaluated 2023-09-11.

Conditions:
Inborn genetic diseases. Identifiers: MedGen C0950123, MeSH D030342.

Allele frequency attached by ClinVar (database versions not stated): gnomAD exomes below 0.00001.
gnomAD v4.1: 1 of 1,610,300 alleles (0.000062%); highest among the groups gnomAD compares: East Asian, 0.0022%; no homozygotes.

Submissions (2):

Blueprint Genetics
Classification: Uncertain significance. Last evaluated: 2023-09-11. Review status: criteria provided, single submitter. Criteria: ACMG Guidelines, 2015. Collection method: clinical testing. Allele origin: germline.

Ambry Genetics
Classification: Uncertain significance for Inborn genetic diseases. Last evaluated: 2020-02-12. Review status: criteria provided, single submitter. Criteria: Ambry Variant Classification Scheme 2023. Collection method: clinical testing. Allele origin: germline.
Comment: The alteration results in an amino acid change:_x000D_ _x000D_ The c.304G>A (p.G102R) alteration is located in coding exon 3 of the MANBA gene. This alteration results from a G to A substitution at nucleotide position 304, causing the glycine (G) at amino acid position 102 to be replaced by an arginine (R). The alteration is not observed in population databases:_x000D_ _x000D_ Based on data from the Genome Aggregation Database (gnomAD), the MANBA c.304G>A alteration was not observed, with coverage at this position. The altered amino acid is conserved throughout evolution:_x000D_ _x000D_ The p.G102 amino acid is conserved in available vertebrate species. The alteration is predicted deleterious by in silico modeling:_x000D_ _x000D_ The p.G102R alteration is predicted to be deleterious by in silico analysis. Based on insufficient or conflicting evidence, the clinical significance of this alteration remains unclear.

NM_005908.4(MANBA):c.304G>A (p.Gly102Arg)

Gene: MANBA (mannosidase beta; minus strand). Cytogenetic location: 4q24.
Variant type: single nucleotide variant.
Coding change: c.304G>A on transcript NM_005908.4 (MANE Select); coding-DNA position 304, G replaced by A.
Protein change: p.Gly102Arg; replaces glycine 102 with arginine.
Molecular consequence: missense variant.
Genome position (GRCh38, 1-based): chr4:102,723,936, C>T on the plus strand (G>A on the coding strand, the complement: MANBA is on the minus strand). VCF-style: chr4-102723936-C-T. GRCh37 (hg19) VCF-style: chr4-103645093-C-T.
Other names: short protein forms G102R.
Identifiers: ClinVar variation 985011 (VCV000985011.5), dbSNP rs1578939752, ClinGen allele CA357958370.